The following is an entry in ClinVar:

NM_000492.4(CFTR):c.3887T>C (p.Phe1296Ser)

Gene: CFTR (CF transmembrane conductance regulator; plus strand). Cytogenetic location: 7q31.2.
Variant type: single nucleotide variant.
Coding change: c.3887T>C on transcript NM_000492.4 (MANE Select); coding-DNA position 3887, T replaced by C.
Protein change: p.Phe1296Ser; replaces phenylalanine 1296 with serine.
Molecular consequence: missense variant.
Genome position (GRCh38, 1-based): chr7:117,652,855, T>C. VCF-style: chr7-117652855-T-C. GRCh37 (hg19) VCF-style: chr7-117292909-T-C.
Other names: short protein forms F1296S.
Identifiers: ClinVar variation 1735852 (VCV001735852.2), dbSNP rs2485171085, ClinGen allele CA368978018.

ClinVar aggregate classification (germline): Uncertain significance (1 of 4 stars; one submission).

Conditions:
Cystic fibrosis (CF). Also called: MUCOVISCIDOSIS. Identifiers: Orphanet 586, MedGen C0010674, MONDO:0009061, OMIM 219700. Disease mechanism: loss of function.

Submission:

Ambry Genetics
Classification: Uncertain significance for Cystic fibrosis. Last evaluated: 2020-10-06. Review status: criteria provided, single submitter. Criteria: Ambry Variant Classification Scheme 2023. Collection method: clinical testing. Allele origin: germline.
Comment: The p.F1296S variant (also known as c.3887T>C), located in coding exon 24 of the CFTR gene, results from a T to C substitution at nucleotide position 3887. The phenylalanine at codon 1296 is replaced by serine, an amino acid with highly dissimilar properties. This amino acid position is highly conserved in available vertebrate species. In addition, this alteration is predicted to be deleterious by in silico analysis. Since supporting evidence is limited at this time, the clinical significance of this alteration remains unclear.